The following is an entry in ClinVar:

NM_001267550.2(TTN):c.47089C>T (p.Arg15697Cys)

Genes: TTN (titin; minus strand), TTN-AS1 (TTN antisense RNA 1; plus strand). Cytogenetic location: 2q31.2.
Variant type: single nucleotide variant.
Coding change: c.47089C>T on transcript NM_001267550.2 (MANE Select); coding-DNA position 47089, C replaced by T.
Protein change: p.Arg15697Cys; replaces arginine 15697 with cysteine.
Molecular consequence: missense variant.
Genome position (GRCh38, 1-based): chr2:178,618,369, G>A on the plus strand (C>T on the coding strand, the complement: TTN is on the minus strand). VCF-style: chr2-178618369-G-A. GRCh37 (hg19) VCF-style: chr2-179483096-G-A.
Other names: p.R14056C:CGT>TGT; c.42166C>T, p.Arg14056Cys (NM_001256850.1); c.19894C>T, p.Arg6632Cys (NM_003319.4); c.39385C>T, p.Arg13129Cys (NM_133378.4); c.20269C>T, p.Arg6757Cys (NM_133432.3); c.20470C>T, p.Arg6824Cys (NM_133437.4); short protein forms R13129C, R15697C, R14056C, R6824C, R6757C, R6632C.
Identifiers: ClinVar variation 191958 (VCV000191958.17), dbSNP rs780334981, ClinGen allele CA302485.

ClinVar aggregate classification (germline): Conflicting classifications of pathogenicity. Review status: criteria provided, conflicting classifications (1 of 4 stars). 8 submissions from 8 submitters: Uncertain significance (6); Likely benign (2). Last evaluated 2026-07-21.

Conditions:
TTN-related disorder. Also called: TTN-related condition; TTN-related disease; TTN-related disorders.
Cardiovascular phenotype. Identifiers: MedGen CN230736.
Dilated cardiomyopathy 1G (CMD1G). Identifiers: Orphanet 154, MedGen C1858763, MONDO:0011400, OMIM 604145.
Autosomal recessive limb-girdle muscular dystrophy type 2J (LGMDR10). Also called: Limb-girdle muscular dystrophy, type 2J; MUSCULAR DYSTROPHY, LIMB-GIRDLE, AUTOSOMAL RECESSIVE 10. Identifiers: Orphanet 140922, MedGen C1837342, MONDO:0012127, OMIM 608807.

Allele frequency attached by ClinVar (database versions not stated): ExAC 0.00002; gnomAD 0.00003 and 0.00004; gnomAD exomes 0.00003; TOPMed 0.00003.
gnomAD v4.1: 90 of 1,612,340 alleles (0.0056%); highest among the groups gnomAD compares: Admixed American, 0.0067%; no homozygotes.

Submissions (8):

PreventionGenetics, part of Exact Sciences
Classification: Uncertain significance for TTN-related condition. Last evaluated: 2026-07-21. Review status: criteria provided, single submitter. Criteria: ACMG Guidelines, 2015. Collection method: clinical testing. Allele origin: germline.
Comment: The TTN c.47089C>T variant is predicted to result in the amino acid substitution p.Arg15697Cys. This variant (described as c.39385C>T, p.Arg13129Cys based on transcript NM_133378.4) was reported as a variant of uncertain significance in an individual without a personal or family history of arrhythmia, cardiomyopathy or sudden cardiac death (Supplementary Table 3, Ng et al. 2013. PubMed ID: 23861362). This variant is reported in 0.0098% of alleles in individuals of South Asian descent in gnomAD. At this time, the clinical significance of this variant is uncertain due to the absence of conclusive functional and genetic evidence.

Revvity Omics, Revvity
Classification: Uncertain significance. Last evaluated: 2024-06-17. Review status: criteria provided, single submitter. Criteria: ACMG Guidelines, 2015. Collection method: clinical testing. Allele origin: germline.

Blueprint Genetics
Classification: Likely benign. Last evaluated: 2023-11-22. Review status: criteria provided, single submitter. Criteria: ACMG Guidelines, 2015. Collection method: clinical testing. Allele origin: germline.

GeneDx
Classification: Likely benign. Last evaluated: 2020-03-16. Review status: criteria provided, single submitter. Criteria: GeneDx Variant Classification Process June 2021. Collection method: clinical testing. Allele origin: germline. Affected: yes.

Ambry Genetics
Classification: Uncertain significance for Cardiovascular phenotype. Last evaluated: 2019-09-20. Review status: criteria provided, single submitter. Criteria: Ambry Variant Classification Scheme 2023. Collection method: clinical testing. Allele origin: germline.
Comment: The p.R6632C variant (also known as c.19894C>T), located in coding exon 79 of the TTN gene, results from a C to T substitution at nucleotide position 19894. The arginine at codon 6632 is replaced by cysteine, an amino acid with highly dissimilar properties. This amino acid position is highly conserved in available vertebrate species. In addition, this alteration is predicted to be tolerated by in silico analysis. Since supporting evidence is limited at this time, the clinical significance of this alteration remains unclear.

Eurofins Ntd Llc (ga)
Classification: Uncertain significance. Last evaluated: 2017-10-17. Review status: criteria provided, single submitter. Criteria: EGL Classification Definitions 2015. Collection method: clinical testing. Allele origin: germline. Observed: 1 variant allele, 1 heterozygote.

Labcorp Genetics (formerly Invitae), Labcorp
Classification: Uncertain significance for Dilated cardiomyopathy 1G; Autosomal recessive limb-girdle muscular dystrophy type 2J. Last evaluated: 2017-10-12. Review status: criteria provided, single submitter. Criteria: Invitae Variant Classification Sherloc (09022015). Collection method: clinical testing. Allele origin: germline.

Biesecker Lab/Clinical Genomics Section, National Institutes of Health
Classification: Uncertain significance. Last evaluated: 2013-06-24. Review status: criteria provided, single submitter. Criteria: Ng et al. (Circ Cardiovasc Genet. 2013). Collection method: research. Allele origin: unknown. Observed: 1 variant allele. Study: ClinSeq.
Comment: The study set was not selected for affection status in relation to any cancer. Pathogenicity categories were based on literature curation. See Pubmed ID:23861362 for details.

Medical sequencing